The following is an entry in ClinVar:

ClinVar aggregate classification (germline): Uncertain significance (1 of 4 stars; one submission).

Conditions:
Emery-Dreifuss muscular dystrophy 5, autosomal dominant (EDMD5). Also called: EMERY-DREIFUSS MUSCULAR DYSTROPHY 5. Identifiers: Orphanet 261, MedGen C2751805, MONDO:0013072, OMIM 612999.

Submission:

Labcorp Genetics (formerly Invitae), Labcorp
Classification: Uncertain significance for Emery-Dreifuss muscular dystrophy 5, autosomal dominant. Last evaluated: 2022-03-31. Review status: criteria provided, single submitter. Criteria: Invitae Variant Classification Sherloc (09022015). Collection method: clinical testing. Allele origin: germline.
Comment: In summary, the available evidence is currently insufficient to determine the role of this variant in disease. Therefore, it has been classified as a Variant of Uncertain Significance. Experimental studies and prediction algorithms are not available or were not evaluated, and the functional significance of this variant is currently unknown. This variant has not been reported in the literature in individuals affected with SYNE2-related conditions. This variant is present in population databases (no rsID available, gnomAD 0.0009%). This variant, c.14123_14125del, results in the deletion of 1 amino acid(s) of the SYNE2 protein (p.Glu4708del), but otherwise preserves the integrity of the reading frame.

NM_182914.3(SYNE2):c.14120AGG[1] (p.Glu4708del)

Gene: SYNE2 (spectrin repeat containing nuclear envelope protein 2; plus strand). Cytogenetic location: 14q23.2.
Variant type: Microsatellite.
Coding change: c.14120AGG[1] on transcript NM_182914.3 (MANE Select); one copy of the 3-base unit AGG starting at c.14120; the reference has two copies in a row; one copy, 3 bases deleted.
Protein change: p.Glu4708del; deletes glutamic acid 4708.
Molecular consequence: inframe deletion.
Genome position (GRCh38, 1-based): chr14:64,129,885-64,129,887, AGG deleted; deleting any 3 consecutive bases within chr14:64,129,882-64,129,887 gives the same sequence; the position shown is the placement nearest the transcript's 3' end. VCF-style (leftmost placement, unchanged base first): chr14-64129881-CAGG-C. GRCh37 (hg19) VCF-style: chr14-64596599-CAGG-C.
Other names: c.14120AGG[1], p.Glu4708del (NM_015180.6); short protein forms E4708del.
Identifiers: ClinVar variation 2075992 (VCV002075992.4), dbSNP rs1282633043, ClinGen allele CA614735260.